The following is an entry in ClinVar:

ClinVar aggregate classification (germline): Benign. Review status: criteria provided, multiple submitters, no conflicts (2 of 4 stars). 4 submissions from 4 submitters: Benign (4). Last evaluated 2026-02-04.

Conditions:
Immunodeficiency 39 (IMD39). Identifiers: Orphanet 574918, MedGen C4225358, MONDO:0014597, OMIM 616345.

Allele frequency attached by ClinVar (database versions not stated): gnomAD exomes 0.24840 and 0.26400; ExAC 0.25272; 1000 Genomes Project 0.27556; 1000 Genomes Project 30x 0.28560; gnomAD 0.32562 and 0.33777; TOPMed 0.34549; ESP Exome Variant Server 0.35207.

Submissions (4):

Labcorp Genetics (formerly Invitae), Labcorp
Classification: Benign for Immunodeficiency 39. Last evaluated: 2026-02-04. Review status: criteria provided, single submitter. Criteria: Invitae Variant Classification Sherloc (09022015). Collection method: clinical testing. Allele origin: germline.

Unidad de Genómica Garrahan, Hospital de Pediatría Garrahan
Classification: Benign. Last evaluated: 2024-01-24. Review status: criteria provided, single submitter. Criteria: ACMG Guidelines, 2015. Collection method: clinical testing. Allele origin: germline. Affected: no. Observed: 56 variant alleles.
Comment: This variant is classified as Benign based on local population frequency. This variant was detected in 59% of patients studied by a panel of primary immunodeficiencies. Number of patients: 56. Only high quality variants are reported.

Genome-Nilou Lab
Classification: Benign for Immunodeficiency 39. Last evaluated: 2021-07-14. Review status: criteria provided, single submitter. Criteria: ACMG Guidelines, 2015. Collection method: clinical testing. Allele origin: germline. Affected: no.

Breakthrough Genomics
Classification: Benign. Review status: criteria provided, single submitter. Criteria: ACMG Guidelines, 2015. Collection method: not provided. Allele origin: germline. Inheritance: Autosomal recessive inheritance. Affected: yes.

NM_001572.5(IRF7):c.1237+14T>C

Gene: IRF7 (interferon regulatory factor 7; minus strand). Cytogenetic location: 11p15.5.
Variant type: single nucleotide variant.
Coding change: c.1237+14T>C on transcript NM_001572.5 (MANE Select); 14 bases into the intron after coding-DNA position 1237, T replaced by C.
Molecular consequence: intron variant.
Genome position (GRCh38, 1-based): chr11:613,192, A>G on the plus strand (T>C on the coding strand, the complement: IRF7 is on the minus strand). VCF-style: chr11-613192-A-G. GRCh37 (hg19) VCF-style: chr11-613192-A-G.
Other names: c.1150+14T>C (NM_004029.4); c.1276+14T>C (NM_004031.4).
Identifiers: ClinVar variation 1166881 (VCV001166881.14), dbSNP rs12422022, ClinGen allele CA5783540.